The following is an entry in ClinVar:

ClinVar aggregate classification (germline): Likely benign (1 of 4 stars; one submission).

Allele frequency attached by ClinVar (database versions not stated): ExAC 0.00053; 1000 Genomes Project 30x 0.00109; 1000 Genomes Project 0.00120.

Submission:

CeGaT Center for Human Genetics Tuebingen
Classification: Likely benign. Last evaluated: 2023-02-01. Review status: criteria provided, single submitter. Criteria: CeGaT Center For Human Genetics Tuebingen Variant Classification Criteria Version 2. Collection method: clinical testing. Allele origin: germline. Affected: yes. Observed: 1 variant allele.
Comment: CEP131: BP4, BP7

NM_014984.4(CEP131):c.2949C>T (p.Asn983=)

Gene: CEP131 (centrosomal protein 131; minus strand). Cytogenetic location: 17q25.3.
Variant type: single nucleotide variant.
Coding change: c.2949C>T on transcript NM_014984.4 (MANE Select); coding-DNA position 2949, C replaced by T.
Protein change: p.Asn983=; no amino-acid change (asparagine 983 retained).
Molecular consequence: synonymous variant.
Genome position (GRCh38, 1-based): chr17:81,190,797, G>A on the plus strand (C>T on the coding strand, the complement: CEP131 is on the minus strand). VCF-style: chr17-81190797-G-A. GRCh37 (hg19) VCF-style: chr17-79164597-G-A.
Other names: c.2841C>T, p.Asn947= (NM_001009811.4); c.2958C>T, p.Asn986= (NM_001319228.2); c.2850C>T, p.Asn950= (NM_001319229.2).
Identifiers: ClinVar variation 2648435 (VCV002648435.24), dbSNP rs202137625, ClinGen allele CA8829119.
Genomic context (GRCh38, chr17:81,190,797, plus strand): 5'-GTCCTCGAACTCCTGGCGGATCACCTGGGCCAGGTTGCTGCGCTCGCTAGAAAGCTGCTC[G>A]TTCACCTGGGTGGGCACAGAAGGCAGTGAGCCGGCTGCCAGCGACTGGCTGCGTGCATGC-3'
Protein context (NP_055799.2, residues 973-993): ERALEDAQAV[Asn983=]EQLSSERSNL